The following is an entry in ClinVar:

NM_178140.4(PDZD2):c.6104C>T (p.Pro2035Leu)

Gene: PDZD2 (PDZ domain containing 2; plus strand). Cytogenetic location: 5p13.3.
Variant type: single nucleotide variant.
Coding change: c.6104C>T on transcript NM_178140.4 (MANE Select); coding-DNA position 6104, C replaced by T.
Protein change: p.Pro2035Leu; replaces proline 2035 with leucine.
Molecular consequence: missense variant.
Genome position (GRCh38, 1-based): chr5:32,089,552, C>T. VCF-style: chr5-32089552-C-T. GRCh37 (hg19) VCF-style: chr5-32089658-C-T.
Other names: short protein forms P2035L.
Identifiers: ClinVar variation 3211144 (VCV003211144.2), dbSNP rs369731479, ClinGen allele CA3220049.

ClinVar aggregate classification (germline): Uncertain significance (1 of 4 stars; one submission).

Allele frequency attached by ClinVar (database versions not stated): ESP Exome Variant Server 0.00008; gnomAD exomes 0.00011; TOPMed 0.00011; ExAC 0.00006; gnomAD 0.00009.
gnomAD v4.1: 174 of 1,612,138 alleles (0.011%); highest among the groups gnomAD compares: East Asian, 0.025%; no homozygotes.

Submission:

Ambry Genetics
Classification: Uncertain significance. Last evaluated: 2026-05-14. Review status: criteria provided, single submitter. Criteria: Ambry Variant Classification Scheme 2023. Collection method: clinical testing. Allele origin: germline.
Comment: The c.6104C>T (p.P2035L) alteration is located in exon 19 (coding exon 19) of the PDZD2 gene. This alteration results from a C to T substitution at nucleotide position 6104, causing the proline (P) at amino acid position 2035 to be replaced by a leucine (L). Based on data from gnomAD, the T allele has an overall frequency of 0.006% (16/279384) total alleles studied. The highest observed frequency was 0.014% (1/7174) of Other alleles. Based on insufficient or conflicting evidence, the clinical significance of this alteration remains unclear.